The following is an entry in ClinVar:

ClinVar aggregate classification (germline): Uncertain significance (1 of 4 stars; one submission).

Submission:

GeneDx
Classification: Uncertain significance. Last evaluated: 2024-08-16. Review status: criteria provided, single submitter. Criteria: GeneDx Variant Classification Process June 2021. Collection method: clinical testing. Allele origin: germline. Affected: yes.
Comment: Not observed at significant frequency in large population cohorts (gnomAD); In silico analysis supports that this missense variant has a deleterious effect on protein structure/function; Has not been previously published as pathogenic or benign to our knowledge.

NM_003412.4(ZIC1):c.1112A>G (p.Tyr371Cys)

Gene: ZIC1 (Zic family member 1; plus strand). Cytogenetic location: 3q24.
Variant type: single nucleotide variant.
Coding change: c.1112A>G on transcript NM_003412.4 (MANE Select); coding-DNA position 1112, A replaced by G.
Protein change: p.Tyr371Cys; replaces tyrosine 371 with cysteine.
Molecular consequence: missense variant.
Genome position (GRCh38, 1-based): chr3:147,412,647, A>G. VCF-style: chr3-147412647-A-G. GRCh37 (hg19) VCF-style: chr3-147130434-A-G.
Other names: short protein forms Y371C.
Identifiers: ClinVar variation 3731246 (VCV003731246.1).